The following is an entry in ClinVar:

NM_005535.3(IL12RB1):c.124+5G>A

Gene: IL12RB1 (interleukin 12 receptor subunit beta 1; minus strand). Cytogenetic location: 19p13.11.
Variant type: single nucleotide variant.
Coding change: c.124+5G>A on transcript NM_005535.3 (MANE Select); 5 bases into the intron after coding-DNA position 124, G replaced by A.
Molecular consequence: intron variant.
Genome position (GRCh38, 1-based): chr19:18,083,427, C>T on the plus strand (G>A on the coding strand, the complement: IL12RB1 is on the minus strand). VCF-style: chr19-18083427-C-T. GRCh37 (hg19) VCF-style: chr19-18194237-C-T.
Other names: c.244+5G>A (NM_001290024.2, NM_001440427.1, NM_001440426.1); c.124+5G>A (NM_001290023.2, NM_001440425.1, NM_001440424.1 and 1 more transcripts).
Identifiers: ClinVar variation 844358 (VCV000844358.7), dbSNP rs761367526, ClinGen allele CA506007594.

ClinVar aggregate classification (germline): Uncertain significance (1 of 4 stars; one submission).

Conditions:
Mendelian susceptibility to mycobacterial diseases due to complete IL12RB1 deficiency. Also called: Immunodeficiency 30; IL12RB1 DEFICIENCY. Identifiers: Orphanet 319552, MedGen C4013949, MONDO:0013955, OMIM 614891.

gnomAD v4.1: 9 of 1,613,954 alleles (0.00056%); highest among the groups gnomAD compares: East Asian, 0.0022%; no homozygotes.

Submission:

Labcorp Genetics (formerly Invitae), Labcorp
Classification: Uncertain significance for Mendelian susceptibility to mycobacterial diseases due to complete IL12RB1 deficiency. Last evaluated: 2019-05-31. Review status: criteria provided, single submitter. Criteria: Invitae Variant Classification Sherloc (09022015). Collection method: clinical testing. Allele origin: germline.
Comment: In summary, the available evidence is currently insufficient to determine the role of this variant in disease. Therefore, it has been classified as a Variant of Uncertain Significance. Nucleotide substitutions within the consensus splice site are a relatively common cause of aberrant splicing (PMID: 17576681, 9536098). Algorithms developed to predict the effect of sequence changes on RNA splicing suggest that this variant may disrupt the consensus splice site, but this prediction has not been confirmed by published transcriptional studies. This variant has not been reported in the literature in individuals with IL12RB1-related conditions. This variant is not present in population databases (ExAC no frequency). This sequence change falls in intron 2 of the IL12RB1 gene. It does not directly change the encoded amino acid sequence of the IL12RB1 protein, but it affects a nucleotide within the consensus splice site of the intron.

Literature cited by the submitters: PubMed 17576681; PubMed 9536098.